The following is an entry in ClinVar:

NM_001127510.3(APC):c.5758C>T (p.Arg1920Ter)

Gene: APC (APC regulator of Wnt signaling pathway; plus strand). Cytogenetic location: 5q22.2.
Variant type: single nucleotide variant.
Coding change: c.5758C>T on transcript NM_001127510.3; coding-DNA position 5758, C replaced by T.
Protein change: p.Arg1920Ter; replaces arginine 1920 with a stop codon.
Genome position (GRCh38, 1-based): chr5:112,841,352, C>T. VCF-style: chr5-112841352-C-T. GRCh37 (hg19) VCF-style: chr5-112177049-C-T.
Other names: c.5758C>T, p.Arg1920Ter (NM_000038.6, NM_001354895.2); c.5704C>T, p.Arg1902Ter (NM_001127511.3); c.5812C>T, p.Arg1938Ter (NM_001354896.2); c.5788C>T, p.Arg1930Ter (NM_001354897.2); c.5683C>T, p.Arg1895Ter (NM_001354898.2); c.5674C>T, p.Arg1892Ter (NM_001354899.2); c.5635C>T, p.Arg1879Ter (NM_001354900.2); c.5581C>T, p.Arg1861Ter (NM_001354901.2); and 5 more; short protein forms R1637*, R1760*, R1794*, R1819*, R1829*, R1861*, R1879*, R1892*.
Identifiers: ClinVar variation 1691813 (VCV001691813.4), dbSNP rs587779800, ClinGen allele CA16033934.

ClinVar aggregate classification (germline): Pathogenic/Likely pathogenic. Review status: criteria provided, multiple submitters, no conflicts (2 of 4 stars). 2 submissions from 2 submitters: Pathogenic (1); Likely pathogenic (1). Last evaluated 2025-06-17.

Conditions:
Hereditary cancer-predisposing syndrome. Also called: Hereditary Cancer Syndrome; Hereditary neoplastic syndrome; Neoplastic Syndromes, Hereditary; Tumor predisposition. Identifiers: Orphanet 140162, MedGen C0027672, MeSH D009386, MONDO:0015356.

Submissions (2):

GeneDx
Classification: Likely pathogenic. Last evaluated: 2025-06-17. Review status: criteria provided, single submitter. Criteria: GeneDx Variant Classification Process June 2021. Collection method: clinical testing. Allele origin: germline. Affected: yes.
Comment: Not observed at significant frequency in large population cohorts (gnomAD); Has not been previously published as pathogenic or benign to our knowledge; Nonsense variant predicted to result in protein truncation in a gene for which loss of function is a known mechanism of disease; This variant is associated with the following publications: (PMID: 18199528)

Ambry Genetics
Classification: Pathogenic for Hereditary cancer-predisposing syndrome. Last evaluated: 2025-04-15. Review status: criteria provided, single submitter. Criteria: Ambry Variant Classification Scheme 2023. Collection method: clinical testing. Allele origin: germline.
Comment: The p.R1920* pathogenic mutation (also known as c.5758C>T), located in coding exon 15 of the APC gene, results from a C to T substitution at nucleotide position 5758. This changes the amino acid from an arginine to a stop codon within coding exon 15. This alteration occurs at the 3' terminus of theAPC gene, is not expected to trigger nonsense-mediated mRNA decay, and impacts the last 32.5% of the protein. However, premature stop codons are typically deleterious in nature and a significant portion of the protein is affected (Ambry internal data). This variant is considered to be rare based on population cohorts in the Genome Aggregation Database (gnomAD). Based on the supporting evidence, this variant is interpreted as a disease-causing mutation.